The following is an entry in ClinVar:

ClinVar aggregate classification (germline): Uncertain significance (1 of 4 stars; one submission).

Conditions:
Neurodevelopmental disorder with hypotonia, stereotypic hand movements, and impaired language. Also called: Intellectual disability, autosomal dominant 20. Identifiers: Orphanet 228384, Orphanet 664410, MedGen C3150700, MONDO:0013266, OMIM 613443.

Submission:

Labcorp Genetics (formerly Invitae), Labcorp
Classification: Uncertain significance for Neurodevelopmental disorder with hypotonia, stereotypic hand movements, and impaired language. Last evaluated: 2022-02-20. Review status: criteria provided, single submitter. Criteria: Invitae Variant Classification Sherloc (09022015). Collection method: clinical testing. Allele origin: germline.
Comment: In summary, the available evidence is currently insufficient to determine the role of this variant in disease. Therefore, it has been classified as a Variant of Uncertain Significance. Algorithms developed to predict the effect of missense changes on protein structure and function (SIFT, PolyPhen-2, Align-GVGD) all suggest that this variant is likely to be tolerated. This variant has not been reported in the literature in individuals affected with MEF2C-related conditions. This variant is not present in population databases (gnomAD no frequency). This sequence change replaces proline, which is neutral and non-polar, with serine, which is neutral and polar, at codon 171 of the MEF2C protein (p.Pro171Ser).

NM_002397.5(MEF2C):c.511C>T (p.Pro171Ser)

Gene: MEF2C (myocyte enhancer factor 2C; minus strand). Cytogenetic location: 5q14.3.
Variant type: single nucleotide variant.
Coding change: c.511C>T on transcript NM_002397.5 (MANE Select); coding-DNA position 511, C replaced by T.
Protein change: p.Pro171Ser; replaces proline 171 with serine.
Molecular consequence: missense variant.
Genome position (GRCh38, 1-based): chr5:88,751,935, G>A on the plus strand (C>T on the coding strand, the complement: MEF2C is on the minus strand). VCF-style: chr5-88751935-G-A. GRCh37 (hg19) VCF-style: chr5-88047752-G-A.
Other names: c.565C>T, p.Pro189Ser (NM_001193347.1, NM_001364338.2); c.367C>T, p.Pro123Ser (NM_001193348.1, NM_001193349.3, NM_001364344.2 and 3 more transcripts); c.511C>T, p.Pro171Ser (NM_001193350.2, NM_001308002.3, NM_001363581.2 and 18 more transcripts); c.505C>T, p.Pro169Ser (NM_001364343.2, NM_001131005.2, NM_001364352.2); c.133C>T, p.Pro45Ser (NM_001364353.2, NM_001364356.2); c.85C>T, p.Pro29Ser (NM_001364357.2); short protein forms P169S, P189S, P29S, P45S, P123S, P171S.
Identifiers: ClinVar variation 2100436 (VCV002100436.4), dbSNP rs2152525035, ClinGen allele CA360423820.